The following is an entry in ClinVar:

NM_000214.3(JAG1):c.748G>C (p.Asp250His)

Gene: JAG1 (jagged canonical Notch ligand 1; minus strand). Cytogenetic location: 20p12.2.
Variant type: single nucleotide variant.
Coding change: c.748G>C on transcript NM_000214.3 (MANE Select); coding-DNA position 748, G replaced by C.
Protein change: p.Asp250His; replaces aspartic acid 250 with histidine.
Molecular consequence: missense variant.
Genome position (GRCh38, 1-based): chr20:10,656,405, C>G on the plus strand (G>C on the coding strand, the complement: JAG1 is on the minus strand). VCF-style: chr20-10656405-C-G. GRCh37 (hg19) VCF-style: chr20-10637053-C-G.
Other names: short protein forms D250H.
Identifiers: ClinVar variation 3573361 (VCV003573361.2).

Conditions:
Arteriohepatic dysplasia. Also called: Alagille Syndrome. Identifiers: Orphanet 52, MedGen C0085280, MeSH D016738, MONDO:0007318.

gnomAD v4.1: 1 of 1,613,494 alleles (0.000062%); highest among the groups gnomAD compares: Non-Finnish European, 0.000085%; no homozygotes.

Submission:

Gilbert/Spinner Lab, Children's Hospital of Philadelphia
No classification provided (evidence only). Condition: Alagille syndrome. Review status: no classification provided. Collection method: research. Allele origin: not applicable. Functional consequence: functionally_abnormal.
ClinVar note: "not provided" was previously submitted as the classification for the variant. However, the classification appeared to be based only on an observation of functional data so it was converted to no classification on 2025-07-30.